The following is an entry in ClinVar:

NC_000017.10:g.(?_41247884)_(41252753_?)del

Gene: BRCA1 (BRCA1 DNA repair associated; minus strand). Cytogenetic location: 17q21.31.
Variant type: Deletion.
Identifiers: ClinVar variation 3243026 (VCV003243026.1).

ClinVar aggregate classification (germline): Likely pathogenic (1 of 4 stars; one submission).

Conditions:
Hereditary breast ovarian cancer syndrome. Also called: Hereditary breast and ovarian cancer syndrome; Hereditary breast and ovarian cancer; Hereditary breast and ovarian cancer syndrome (HBOC); Breast and ovarian cancer; Hereditary breast and/or ovarian cancer syndrome; BRCA1- and BRCA2-Associated Hereditary Breast and Ovarian Cancer. Identifiers: Orphanet 145, MedGen C0677776, MeSH D061325, MONDO:0003582. Disease mechanism: loss of function.

Submission:

Labcorp Genetics (formerly Invitae), Labcorp
Classification: Likely pathogenic for Hereditary breast ovarian cancer syndrome. Last evaluated: 2023-12-18. Review status: criteria provided, single submitter. Criteria: Invitae Variant Classification Sherloc (09022015). Collection method: clinical testing. Allele origin: unknown.
Comment: This variant results in the deletion of exons 7-8 and part of exon 9 (c.442-856_649del) of the BRCA1 gene. It is expected to disrupt RNA splicing. Variants that disrupt the donor or acceptor splice site typically lead to a loss of protein function (PMID: 16199547), and loss-of-function variants in BRCA1 are known to be pathogenic (PMID: 20104584). This variant has not been reported in the literature in individuals affected with BRCA1-related conditions. In summary, the currently available evidence indicates that the variant is pathogenic, but additional data are needed to prove that conclusively. Therefore, this variant has been classified as Likely Pathogenic.

Literature cited by the submitters: PubMed 16199547; PubMed 20104584.